The following is an entry in ClinVar:

ClinVar aggregate classification (germline): Uncertain significance. Review status: criteria provided, multiple submitters, no conflicts (2 of 4 stars). 2 submissions from 2 submitters: Uncertain significance (2). Last evaluated 2023-01-03.

Conditions:
Cardiovascular phenotype. Identifiers: MedGen CN230736.

Allele frequency attached by ClinVar (database versions not stated): gnomAD exomes below 0.00001; TOPMed below 0.00001; gnomAD 0.00001; ExAC 0.00002.

Submissions (2):

Revvity Omics, Revvity
Classification: Uncertain significance. Last evaluated: 2023-01-03. Review status: criteria provided, single submitter. Criteria: ACMG Guidelines, 2015. Collection method: clinical testing. Allele origin: germline.

Ambry Genetics
Classification: Uncertain significance for Cardiovascular phenotype. Last evaluated: 2020-02-20. Review status: criteria provided, single submitter. Criteria: Ambry Variant Classification Scheme 2023. Collection method: clinical testing. Allele origin: germline.
Comment: The p.M2145V variant (also known as c.6433A>G), located in coding exon 27 of the TTN gene, results from an A to G substitution at nucleotide position 6433. The methionine at codon 2145 is replaced by valine, an amino acid with highly similar properties. This amino acid position is highly conserved in available vertebrate species. In addition, the in silico prediction for this alteration is inconclusive. Since supporting evidence is limited at this time, the clinical significance of this alteration remains unclear.

NM_001267550.2(TTN):c.6571A>G (p.Met2191Val)

Gene: TTN (titin; minus strand). Cytogenetic location: 2q31.2.
Variant type: single nucleotide variant.
Coding change: c.6571A>G on transcript NM_001267550.2 (MANE Select); coding-DNA position 6571, A replaced by G.
Protein change: p.Met2191Val; replaces methionine 2191 with valine.
Molecular consequence: missense variant.
Genome position (GRCh38, 1-based): chr2:178,775,140, T>C on the plus strand (A>G on the coding strand, the complement: TTN is on the minus strand). VCF-style: chr2-178775140-T-C. GRCh37 (hg19) VCF-style: chr2-179639867-T-C.
Other names: c.6571A>G, p.Met2191Val (NM_001256850.1, NM_133378.4, NM_133379.5); c.6433A>G, p.Met2145Val (NM_003319.4, NM_133432.3, NM_133437.4); short protein forms M2145V, M2191V.
Identifiers: ClinVar variation 1753506 (VCV001753506.5), dbSNP rs760003993, ClinGen allele CA2005012.